The following is an entry in ClinVar:

ClinVar aggregate classification (germline): Pathogenic. Review status: reviewed by expert panel (3 of 4 stars). 5 submissions from 5 submitters: Pathogenic (1). 4 of the submissions do not count toward it. Last evaluated 2016-09-08.

Conditions:
Hereditary cancer-predisposing syndrome. Also called: Neoplastic Syndromes, Hereditary; Tumor predisposition; Hereditary neoplastic syndrome; Hereditary Cancer Syndrome. Identifiers: Orphanet 140162, MedGen C0027672, MeSH D009386, MONDO:0015356.
Breast-ovarian cancer, familial, susceptibility to, 2 (BROVCA2). Also called: BRCA2 Hereditary Breast and Ovarian Cancer. Identifiers: Orphanet 145, MedGen C2675520, MONDO:0012933, OMIM 612555. Disease mechanism: loss of function.

Submissions (5):

Evidence-based Network for the Interpretation of Germline Mutant Alleles (ENIGMA)
Classification: Pathogenic for Breast-ovarian cancer, familial, susceptibility to, 2. Last evaluated: 2016-09-08. Review status: reviewed by expert panel. Criteria: ENIGMA BRCA1/2 Classification Criteria (2015). Collection method: curation. Allele origin: germline.
Comment: Variant allele predicted to encode a truncated non-functional protein.

Ambry Genetics
Classification: Pathogenic for Hereditary cancer-predisposing syndrome. Last evaluated: 2024-12-30. Review status: criteria provided, single submitter. Criteria: Ambry Variant Classification Scheme 2023. Collection method: clinical testing. Allele origin: germline. Not counted in ClinVar's aggregate classification.
Comment: The p.K318* pathogenic mutation (also known as c.952A>T), located in coding exon 9 of the BRCA2 gene, results from an A to T substitution at nucleotide position 952. This changes the amino acid from a lysine to a stop codon within coding exon 9. This variant was reported in at least one individual undergoing genetic testing based on a personal and/or family history of HBOC-related disease (van der Hout AH et al. Hum Mutat, 2006 Jul;27:654-66). This variant is considered to be rare based on population cohorts in the Genome Aggregation Database (gnomAD). This alteration is expected to result in loss of function by premature protein truncation or nonsense-mediated mRNA decay. As such, this alteration is interpreted as a disease-causing mutation.

Consortium of Investigators of Modifiers of BRCA1/2 (CIMBA), c/o University of Cambridge
Classification: Pathogenic for Breast-ovarian cancer, familial, susceptibility to, 2. Last evaluated: 2015-10-02. Review status: criteria provided, single submitter. Criteria: CIMBA Mutation Classification guidelines May 2016. Collection method: clinical testing. Allele origin: germline. Not counted in ClinVar's aggregate classification.

Clinical Genetics DNA and cytogenetics Diagnostics Lab, Erasmus MC, Erasmus Medical Center
Classification: Pathogenic for Breast-ovarian cancer, familial, susceptibility to, 2. Last evaluated: 2015-09-21. Review status: criteria provided, single submitter. Criteria: ACGS Guidelines, 2013. Collection method: clinical testing. Allele origin: germline. Affected: yes. Study: VKGL Data-share Consensus. Not counted in ClinVar's aggregate classification.

Diagnostic Laboratory, Department of Genetics, University Medical Center Groningen
Classification: Pathogenic for Breast-ovarian cancer, familial, susceptibility to, 2. Review status: no assertion criteria provided. Collection method: clinical testing. Allele origin: germline. Affected: yes. Study: VKGL Data-share Consensus. Not counted in ClinVar's aggregate classification.

Literature cited by the submitters: PubMed 16683254 (cited by Ambry Genetics).

NM_000059.4(BRCA2):c.952A>T (p.Lys318Ter)

Gene: BRCA2 (BRCA2 DNA repair associated; plus strand). Cytogenetic location: 13q13.1.
Variant type: single nucleotide variant.
Coding change: c.952A>T on transcript NM_000059.4 (MANE Select); coding-DNA position 952, A replaced by T.
Protein change: p.Lys318Ter; replaces lysine 318 with a stop codon.
Molecular consequence: nonsense.
Genome position (GRCh38, 1-based): chr13:32,332,430, A>T. VCF-style: chr13-32332430-A-T. GRCh37 (hg19) VCF-style: chr13-32906567-A-T.
Other names: short protein forms K318*.
Identifiers: ClinVar variation 52863 (VCV000052863.7), dbSNP rs397508060, ClinGen allele CA026200.